The following is an entry in ClinVar:

NM_030665.4(RAI1):c.516C>A (p.His172Gln)

Gene: RAI1 (retinoic acid induced 1; plus strand). Cytogenetic location: 17p11.2.
Variant type: single nucleotide variant.
Coding change: c.516C>A on transcript NM_030665.4 (MANE Select); coding-DNA position 516, C replaced by A.
Protein change: p.His172Gln; replaces histidine 172 with glutamine.
Molecular consequence: missense variant.
Genome position (GRCh38, 1-based): chr17:17,793,464, C>A. VCF-style: chr17-17793464-C-A. GRCh37 (hg19) VCF-style: chr17-17696778-C-A.
Other names: p.His172Gln; short protein forms H172Q.
Identifiers: ClinVar variation 517716 (VCV000517716.19), dbSNP rs147481626, ClinGen allele CA8418140.

ClinVar aggregate classification (germline): Conflicting classifications of pathogenicity. Review status: criteria provided, conflicting classifications (1 of 4 stars). 6 submissions from 6 submitters: Uncertain significance (1); Benign (2); Likely benign (1). 2 of the submissions do not count toward it. Last evaluated 2026-01-11.

Conditions:
RAI1-related disorder. Also called: RAI1-related condition.
Inborn genetic diseases. Identifiers: MedGen C0950123, MeSH D030342.

Allele frequency attached by ClinVar (database versions not stated): gnomAD 0.00035; ESP Exome Variant Server 0.00046; TOPMed 0.00052; 1000 Genomes Project 30x 0.00094; 1000 Genomes Project 0.00100.
gnomAD v4.1: 150 of 1,613,366 alleles (0.0093%); highest among the groups gnomAD compares: African/African-American, 0.17%; no homozygotes.

Submissions (6):

Labcorp Genetics (formerly Invitae), Labcorp
Classification: Likely benign. Last evaluated: 2026-01-11. Review status: criteria provided, single submitter. Criteria: Invitae Variant Classification Sherloc (09022015). Collection method: clinical testing. Allele origin: germline.

Mayo Clinic Laboratories, Mayo Clinic
Classification: Benign. Last evaluated: 2025-03-24. Review status: criteria provided, single submitter. Criteria: ACMG Guidelines, 2015. Collection method: clinical testing. Allele origin: germline. Observed: 1 variant allele.
Comment: BS1, BS2, BP4_moderate

GeneDx
Classification: Benign. Last evaluated: 2021-04-19. Review status: criteria provided, single submitter. Criteria: GeneDx Variant Classification Process June 2021. Collection method: clinical testing. Allele origin: germline. Affected: yes.

Ambry Genetics
Classification: Uncertain significance for Inborn genetic diseases. Last evaluated: 2018-04-13. Review status: criteria provided, single submitter. Criteria: Ambry Variant Classification Scheme 2023. Collection method: clinical testing. Allele origin: germline.
Comment: The p.H172Q variant (also known as c.516C>A), located in coding exon 1 of the RAI1 gene, results from a C to A substitution at nucleotide position 516. The histidine at codon 172 is replaced by glutamine, an amino acid with highly similar properties. This amino acid position is not well conserved in available vertebrate species. In addition, this alteration is predicted to be tolerated by in silico analysis. Since supporting evidence is limited at this time, the clinical significance of this alteration remains unclear.

PreventionGenetics, part of Exact Sciences
Classification: Likely benign for RAI1-related condition. Last evaluated: 2021-09-14. Review status: no assertion criteria provided. Collection method: clinical testing. Allele origin: germline. Not counted in ClinVar's aggregate classification.
Comment: This variant is classified as likely benign based on ACMG/AMP sequence variant interpretation guidelines (Richards et al. 2015 PMID: 25741868, with internal and published modifications).

Department of Pathology and Laboratory Medicine, Sinai Health System
Classification: Likely benign. Review status: no assertion criteria provided. Collection method: clinical testing. Allele origin: unknown. Affected: yes. Study: The Canadian Open Genetics Repository (COGR). Not counted in ClinVar's aggregate classification.
Comment: The RAI1 p.His172Gln variant was not identified in the literature but was identified in dbSNP (ID: rs147481626), LOVD 3.0 and ClinVar (classified as likely benign by GeneDx and as uncertain significance by Ambry Genetics). The variant was identified in control databases in 38 of 282302 chromosomes at a frequency of 0.0001346 (Genome Aggregation Database March 6, 2019, v2.1.1). The variant was observed in the following populations: African in 33 of 24908 chromosomes (freq: 0.001325), Latino in 3 of 35416 chromosomes (freq: 0.000085) and European (non-Finnish) in 2 of 128750 chromosomes (freq: 0.000016), but was not observed in the Ashkenazi Jewish, East Asian, European (Finnish), Other, and South Asian populations. The p.His172 residue is conserved in mammals and computational analyses (PolyPhen-2, SIFT, AlignGVGD, BLOSUM, MutationTaster) provide inconsistent predictions regarding the impact to the protein; this information is not very predictive of pathogenicity. The variant occurs outside of the splicing consensus sequence and in silico or computational prediction software programs (SpliceSiteFinder, MaxEntScan, NNSPLICE, GeneSplicer) do not predict a difference in splicing. In summary, based on the above information the clinical significance of this variant cannot be determined with certainty at this time although we would lean towards a more benign role for this variant. This variant is classified as likely benign.